The following is an entry in ClinVar:

ClinVar aggregate classification (germline): Uncertain significance. Review status: criteria provided, multiple submitters, no conflicts (2 of 4 stars). 2 submissions from 2 submitters: Uncertain significance (2). Last evaluated 2026-01-05.

Conditions:
Inborn genetic diseases. Identifiers: MedGen C0950123, MeSH D030342.
KCNN4-related disorder. Also called: KCNN4-related condition.

gnomAD v4.1: 19 of 1,614,186 alleles (0.0012%); highest among the groups gnomAD compares: South Asian, 0.0044%; 1 homozygote.

Submissions (2):

PreventionGenetics, part of Exact Sciences
Classification: Uncertain significance for KCNN4-related condition. Last evaluated: 2026-01-05. Review status: criteria provided, single submitter. Criteria: ACMG Guidelines, 2015. Collection method: clinical testing. Allele origin: germline.
Comment: The KCNN4 c.1024C>T variant is predicted to result in the amino acid substitution p.Arg342Cys. To our knowledge, this variant has not been reported in the literature. This variant is reported in 0.0054% of alleles in individuals of East Asian descent in gnomAD. At this time, the clinical significance of this variant is uncertain due to the absence of conclusive functional and genetic evidence.

Ambry Genetics
Classification: Uncertain significance for Inborn genetic diseases. Last evaluated: 2025-07-15. Review status: criteria provided, single submitter. Criteria: Ambry Variant Classification Scheme 2023. Collection method: clinical testing. Allele origin: germline.

NM_002250.3(KCNN4):c.1024C>T (p.Arg342Cys)

Gene: KCNN4 (potassium calcium-activated channel subfamily N member 4; minus strand). Cytogenetic location: 19q13.31.
Variant type: single nucleotide variant.
Coding change: c.1024C>T on transcript NM_002250.3 (MANE Select); coding-DNA position 1024, C replaced by T.
Protein change: p.Arg342Cys; replaces arginine 342 with cysteine.
Molecular consequence: missense variant.
Genome position (GRCh38, 1-based): chr19:43,769,467, G>A on the plus strand (C>T on the coding strand, the complement: KCNN4 is on the minus strand). VCF-style: chr19-43769467-G-A. GRCh37 (hg19) VCF-style: chr19-44273619-G-A.
Other names: short protein forms R342C.
Identifiers: ClinVar variation 4090679 (VCV004090679.2).